The following is an entry in ClinVar:

ClinVar aggregate classification (germline): Likely pathogenic (1 of 4 stars; one submission).

Conditions:
Usher syndrome type 1C. Also called: USHER SYNDROME, TYPE I, ACADIAN VARIETY. Identifiers: Orphanet 231169, Orphanet 886, MedGen C1848604, MONDO:0010171, OMIM 276904.

Submission:

Myriad Genetics, Inc.
Classification: Likely pathogenic for Usher syndrome type 1C. Last evaluated: 2022-03-20. Review status: criteria provided, single submitter. Criteria: Myriad Women's Health Autosomal Recessive and X-Linked Classification Criteria (2021). Collection method: clinical testing. Allele origin: unknown.
Comment: NM_005709.3(USH1C):c.916G>T(E306*) is expected to be pathogenic in the context of USH1C-related disorders. This variant is predicted to lead to an abnormal or absent protein product due to the creation of a premature termination codon in USH1C, a gene where loss-of-function variants are known to be pathogenic. Please note: this variant was assessed in the context of healthy population screening.

NM_153676.4(USH1C):c.916G>T (p.Glu306Ter)

Gene: USH1C (USH1 protein network component harmonin; minus strand). Cytogenetic location: 11p15.1.
Variant type: single nucleotide variant.
Coding change: c.916G>T on transcript NM_153676.4 (MANE Select); coding-DNA position 916, G replaced by T.
Protein change: p.Glu306Ter; replaces glutamic acid 306 with a stop codon.
Molecular consequence: nonsense. On other transcripts: non-coding transcript variant (1).
Genome position (GRCh38, 1-based): chr11:17,522,887, C>A on the plus strand (G>T on the coding strand, the complement: USH1C is on the minus strand). VCF-style: chr11-17522887-C-A. GRCh37 (hg19) VCF-style: chr11-17544434-C-A.
Other names: c.859G>T, p.Glu287Ter (NM_001297764.2); c.916G>T, p.Glu306Ter (NM_005709.4); short protein forms E287*, E306*.
Identifiers: ClinVar variation 1725406 (VCV001725406.2), dbSNP rs2497155958, ClinGen allele CA379788064.
Genomic context (GRCh38, chr11:17,522,887, plus strand): 5'-CCATCGCCAGCCGCTTCTGCATGAGAAGCTCCTGCCGCTGCAGCTCACGCTGCCGCGCCT[C>A]TGCCAGCCGCTCCCGGTCTGTCATGAACAGCTCCCGGCCCTCATGGGAGAAAAGAGGCCC-3'